The following is an entry in ClinVar:

ClinVar aggregate classification (germline): Likely benign. Review status: criteria provided, multiple submitters, no conflicts (2 of 4 stars). 2 submissions from 2 submitters: Likely benign (2). Last evaluated 2025-05-30.

Conditions:
Tuberous sclerosis 2 (TSC2). Identifiers: Orphanet 805, MedGen C1860707, MONDO:0013199, OMIM 613254.

Submissions (2):

Myriad Genetics, Inc.
Classification: Likely benign for Tuberous sclerosis 2. Last evaluated: 2025-05-30. Review status: criteria provided, single submitter. Criteria: Myriad Autosomal Dominant, Autosomal Recessive and X-Linked Classification Criteria (2023). Collection method: clinical testing. Allele origin: unknown.
Comment: This variant is considered likely benign. This variant is intronic and is not expected to impact mRNA splicing.

Labcorp Genetics (formerly Invitae), Labcorp
Classification: Likely benign for Tuberous sclerosis 2. Last evaluated: 2024-12-26. Review status: criteria provided, single submitter. Criteria: Invitae Variant Classification Sherloc (09022015). Collection method: clinical testing. Allele origin: germline.

NM_000548.5(TSC2):c.3611-7T>C

Gene: TSC2 (TSC complex subunit 2; plus strand). Cytogenetic location: 16p13.3.
Variant type: single nucleotide variant.
Coding change: c.3611-7T>C on transcript NM_000548.5 (MANE Select); 7 bases into the intron before coding-DNA position 3611, T replaced by C.
Molecular consequence: intron variant.
Genome position (GRCh38, 1-based): chr16:2,081,588, T>C. VCF-style: chr16-2081588-T-C. GRCh37 (hg19) VCF-style: chr16-2131589-T-C.
Other names: c.2138-7T>C (NM_001406693.1, NM_001406690.1, NM_001406692.1 and 1 more transcripts); c.3572-7T>C (NM_001406667.1); c.3569-7T>C (NM_001406668.1); c.3011-7T>C (NM_001406680.1, NM_001406683.1, NM_001406682.1); c.2879-7T>C (NM_001406687.1, NM_001318831.2, NM_001406688.1); c.2267-7T>C (NM_001406689.1); c.2135-7T>C (NM_001406691.1, NM_001406697.1, NM_001406695.1 and 1 more transcripts); c.1877-7T>C (NM_001406698.1); and 18 more.
Identifiers: ClinVar variation 3669843 (VCV003669843.3).